The following is an entry in ClinVar:

NM_001365536.1(SCN9A):c.2995A>G (p.Ile999Val)

Genes: SCN1A-AS1 (SCN1A and SCN9A antisense RNA 1; plus strand), SCN9A (sodium voltage-gated channel alpha subunit 9; minus strand). Cytogenetic location: 2q24.3.
Variant type: single nucleotide variant.
Coding change: c.2995A>G on transcript NM_001365536.1 (MANE Select); coding-DNA position 2995, A replaced by G.
Protein change: p.Ile999Val; replaces isoleucine 999 with valine.
Molecular consequence: missense variant.
Genome position (GRCh38, 1-based): chr2:166,272,755, T>C on the plus strand (A>G on the coding strand, the complement: SCN9A is on the minus strand). VCF-style: chr2-166272755-T-C. GRCh37 (hg19) VCF-style: chr2-167129265-T-C.
Other names: c.2962A>G, p.Ile988Val (NM_002977.4); short protein forms I999V, I988V.
Identifiers: ClinVar variation 1492124 (VCV001492124.7), dbSNP rs2106461271, ClinGen allele CA349074542.

ClinVar aggregate classification (germline): Uncertain significance. Review status: criteria provided, multiple submitters, no conflicts (2 of 4 stars). 2 submissions from 2 submitters: Uncertain significance (2). Last evaluated 2024-06-03.

Conditions:
Generalized epilepsy with febrile seizures plus, type 7 (GEFSP7). Also called: GEFS+, TYPE 7. Identifiers: Orphanet 36387, MedGen C2751778, MONDO:0013470, OMIM 613863.
Neuropathy, hereditary sensory and autonomic, type 2A (HSAN2A). Also called: ACROOSTEOLYSIS, GIACCAI TYPE; ACROOSTEOLYSIS, NEUROGENIC; HSAN IIA; MORVAN DISEASE; NEUROPATHY, CONGENITAL SENSORY; NEUROPATHY, HEREDITARY SENSORY RADICULAR, AUTOSOMAL RECESSIVE. Identifiers: Orphanet 970, MedGen C2752089, MONDO:0024309, OMIM 201300.
Inborn genetic diseases. Identifiers: MedGen C0950123, MeSH D030342.

Submissions (2):

Ambry Genetics
Classification: Uncertain significance for Inborn genetic diseases. Last evaluated: 2024-06-03. Review status: criteria provided, single submitter. Criteria: Ambry Variant Classification Scheme 2023. Collection method: clinical testing. Allele origin: germline.

Labcorp Genetics (formerly Invitae), Labcorp
Classification: Uncertain significance for Neuropathy, hereditary sensory and autonomic, type 2A; Generalized epilepsy with febrile seizures plus, type 7. Last evaluated: 2022-08-16. Review status: criteria provided, single submitter. Criteria: Invitae Variant Classification Sherloc (09022015). Collection method: clinical testing. Allele origin: germline.
Comment: This sequence change replaces isoleucine, which is neutral and non-polar, with valine, which is neutral and non-polar, at codon 988 of the SCN9A protein (p.Ile988Val). This variant is not present in population databases (gnomAD no frequency). In summary, the available evidence is currently insufficient to determine the role of this variant in disease. Therefore, it has been classified as a Variant of Uncertain Significance. Algorithms developed to predict the effect of missense changes on protein structure and function output the following: SIFT: "Tolerated"; PolyPhen-2: "Benign"; Align-GVGD: "Class C0". The valine amino acid residue is found in multiple mammalian species, which suggests that this missense change does not adversely affect protein function. ClinVar contains an entry for this variant (Variation ID: 1492124). This variant has not been reported in the literature in individuals affected with SCN9A-related conditions.